The following is an entry in ClinVar:

NM_001271.4(CHD2):c.4789A>G (p.Thr1597Ala)

Gene: CHD2 (chromodomain helicase DNA binding protein 2; plus strand). Cytogenetic location: 15q26.1.
Variant type: single nucleotide variant.
Coding change: c.4789A>G on transcript NM_001271.4 (MANE Select); coding-DNA position 4789, A replaced by G.
Protein change: p.Thr1597Ala; replaces threonine 1597 with alanine.
Molecular consequence: missense variant.
Genome position (GRCh38, 1-based): chr15:93,014,792, A>G. VCF-style: chr15-93014792-A-G. GRCh37 (hg19) VCF-style: chr15-93558022-A-G.
Other names: short protein forms T1597A.
Identifiers: ClinVar variation 1435890 (VCV001435890.8), dbSNP rs1596458216, ClinGen allele CA393906267.

ClinVar aggregate classification (germline): Uncertain significance (1 of 4 stars; one submission).

Conditions:
Developmental and epileptic encephalopathy 94 (DEE94). Also called: Epileptic encephalopathy, childhood-onset; CHD2-Related Neurodevelopmental Disorders. Identifiers: Orphanet 1942, Orphanet 2382, MedGen C3809278, MONDO:0014150, OMIM 615369.

Allele frequency attached by ClinVar (database versions not stated): gnomAD exomes below 0.00001.
gnomAD v4.1: 1 of 1,614,104 alleles (0.000062%); highest among the groups gnomAD compares: Non-Finnish European, 0.000085%; no homozygotes.

Submission:

Labcorp Genetics (formerly Invitae), Labcorp
Classification: Uncertain significance for Developmental and epileptic encephalopathy 94. Last evaluated: 2020-11-16. Review status: criteria provided, single submitter. Criteria: Invitae Variant Classification Sherloc (09022015). Collection method: clinical testing. Allele origin: germline.
Comment: Advanced modeling of protein sequence and biophysical properties (such as structural, functional, and spatial information, amino acid conservation, physicochemical variation, residue mobility, and thermodynamic stability) performed at Invitae indicates that this missense variant is not expected to disrupt CHD2 protein function. This sequence change replaces threonine with alanine at codon 1597 of the CHD2 protein (p.Thr1597Ala). The threonine residue is moderately conserved and there is a small physicochemical difference between threonine and alanine. This variant is not present in population databases (ExAC no frequency). This variant has not been reported in the literature in individuals with CHD2-related conditions. In summary, the available evidence is currently insufficient to determine the role of this variant in disease. Therefore, it has been classified as a Variant of Uncertain Significance.